The following is an entry in ClinVar:

ClinVar aggregate classification (germline): Uncertain significance (1 of 4 stars; one submission).

Conditions:
Inborn genetic diseases. Identifiers: MedGen C0950123, MeSH D030342.

Submission:

Ambry Genetics
Classification: Uncertain significance for Inborn genetic diseases. Last evaluated: 2025-06-25. Review status: criteria provided, single submitter. Criteria: Ambry Variant Classification Scheme 2023. Collection method: clinical testing. Allele origin: germline.
Comment: The p.Q917H variant (also known as c.2751G>C), located in coding exon 28 of the RTEL1 gene, results from a G to C substitution at nucleotide position 2751. The glutamine at codon 917 is replaced by histidine, an amino acid with highly similar properties. This amino acid position is conserved. In addition, this alteration is predicted to be tolerated by in silico analysis. Based on the available evidence, the clinical significance of this variant remains unclear.

NM_001283009.2(RTEL1):c.2751G>C (p.Gln917His)

Genes: RTEL1 (regulator of telomere elongation helicase 1; plus strand), RTEL1-TNFRSF6B (RTEL1-TNFRSF6B readthrough (NMD candidate); plus strand). Cytogenetic location: 20q13.33.
Variant type: single nucleotide variant.
Coding change: c.2751G>C on transcript NM_001283009.2 (MANE Select); coding-DNA position 2751, G replaced by C.
Protein change: p.Gln917His; replaces glutamine 917 with histidine.
Molecular consequence: missense variant. On other transcripts: non-coding transcript variant (1).
Genome position (GRCh38, 1-based): chr20:63,692,903, G>C. VCF-style: chr20-63692903-G-C. GRCh37 (hg19) VCF-style: chr20-62324256-G-C.
Other names: c.2082G>C, p.Gln694His (NM_001283010.1); c.2751G>C, p.Gln917His (NM_016434.4); c.2823G>C, p.Gln941His (NM_032957.5); short protein forms Q694H, Q917H, Q941H.
Identifiers: ClinVar variation 4157570 (VCV004157570.1).